The following is an entry in ClinVar:

NM_018194.6(HHAT):c.727_728dup (p.Leu244fs)

Gene: HHAT (hedgehog acyltransferase; plus strand). Cytogenetic location: 1q32.2.
Variant type: Microsatellite.
Coding change: c.727_728dup on transcript NM_018194.6 (MANE Select); coding-DNA positions 727 to 728, 2 bases duplicated (GT; older notation c.727_728dupGT).
Protein change: p.Leu244fs; shifts the reading frame from leucine 244.
Molecular consequence: frameshift variant.
Genome position (GRCh38, 1-based): chr1:210,418,196-210,418,197, GT duplicated; duplicating any 2 consecutive bases within chr1:210,418,191-210,418,197 gives the same sequence; the c. name uses the placement nearest the transcript's 3' end. VCF-style (leftmost placement, unchanged base first): chr1-210418190-C-CTG. GRCh37 (hg19) VCF-style: chr1-210591534-C-CTG.
Other names: c.727_728dup, p.Leu244fs (NM_001122834.4, NM_001170580.3); c.316_317dup, p.Leu107fs (NM_001170564.3); c.730_731dup, p.Leu245fs (NM_001170587.3); c.532_533dup, p.Leu179fs (NM_001170588.3); short protein forms L107fs, L179fs, L244fs, L245fs.
Identifiers: ClinVar variation 4810202 (VCV004810202.1).
Genomic context (GRCh38, chr1:210,418,190, plus strand): 5'-TGACCTCTTTTGTTTCCACTTTAGATGCAGCAGCAGGAGCATGACTCCCTGAAGGCCAGC[C>CTG]TGTGTGTCCTGGCCCTGGGGCTGGGCCGCCTTCTTTGCTGGTGGTGGCTGGCCGAGCTGA-3'

ClinVar aggregate classification (germline): Pathogenic (1 of 4 stars; one submission).

Submission:

Labcorp Genetics (formerly Invitae), Labcorp
Classification: Pathogenic. Last evaluated: 2025-08-06. Review status: criteria provided, single submitter. Criteria: Invitae Variant Classification Sherloc (09022015). Collection method: clinical testing. Allele origin: germline.
Comment: This sequence change creates a premature translational stop signal (p.Leu244Serfs*18) in the HHAT gene. It is expected to result in an absent or disrupted protein product. Loss-of-function variants in HHAT are known to be pathogenic (PMID: 24784881). This variant is not present in population databases (gnomAD no frequency). This variant has not been reported in the literature in individuals affected with HHAT-related conditions. For these reasons, this variant has been classified as Pathogenic.

Literature cited by the submitters: PubMed 24784881.